The following is an entry in ClinVar:

NM_198253.3(TERT):c.1134G>T (p.Arg378Ser)

Gene: TERT (telomerase reverse transcriptase; minus strand). Cytogenetic location: 5p15.33.
Variant type: single nucleotide variant.
Coding change: c.1134G>T on transcript NM_198253.3 (MANE Select); coding-DNA position 1134, G replaced by T.
Protein change: p.Arg378Ser; replaces arginine 378 with serine.
Molecular consequence: missense variant. On other transcripts: non-coding transcript variant (2).
Genome position (GRCh38, 1-based): chr5:1,293,752, C>A on the plus strand (G>T on the coding strand, the complement: TERT is on the minus strand). VCF-style: chr5-1293752-C-A. GRCh37 (hg19) VCF-style: chr5-1293867-C-A.
Other names: c.1134G>T, p.Arg378Ser (NM_001193376.3); short protein forms R378S.
Identifiers: ClinVar variation 953783 (VCV000953783.12), dbSNP rs1751159479, ClinGen allele CA359055350.

ClinVar aggregate classification (germline): Uncertain significance. Review status: criteria provided, multiple submitters, no conflicts (2 of 4 stars). 2 submissions from 2 submitters: Uncertain significance (2). Last evaluated 2025-09-17.

Conditions:
Dyskeratosis congenita. Identifiers: Orphanet 1775, MedGen C0265965, MONDO:0015780.
Dyskeratosis congenita, autosomal dominant 2. Identifiers: MedGen C3151443, MONDO:0013521, OMIM 613989.
Idiopathic Pulmonary Fibrosis. Also called: Idiopathic fibrosing alveolitis, chronic form; idiopathic fibrosing alveolitis. Identifiers: Orphanet 2032, MedGen C1800706, MeSH D054990, MONDO:0800504.

Allele frequency attached by ClinVar (database versions not stated): gnomAD exomes below 0.00001.

Submissions (2):

Labcorp Genetics (formerly Invitae), Labcorp
Classification: Uncertain significance for Dyskeratosis congenita, autosomal dominant 2; Idiopathic Pulmonary Fibrosis. Last evaluated: 2025-09-17. Review status: criteria provided, single submitter. Criteria: Invitae Variant Classification Sherloc (09022015). Collection method: clinical testing. Allele origin: germline.
Comment: This sequence change replaces arginine, which is basic and polar, with serine, which is neutral and polar, at codon 378 of the TERT protein (p.Arg378Ser). This variant is not present in population databases (gnomAD no frequency). This variant has not been reported in the literature in individuals affected with TERT-related conditions. ClinVar contains an entry for this variant (Variation ID: 953783). Invitae Evidence Modeling of protein sequence and biophysical properties (such as structural, functional, and spatial information, amino acid conservation, physicochemical variation, residue mobility, and thermodynamic stability) indicates that this missense variant is not expected to disrupt TERT protein function with a negative predictive value of 95%. In summary, the available evidence is currently insufficient to determine the role of this variant in disease. Therefore, it has been classified as a Variant of Uncertain Significance.

Ambry Genetics
Classification: Uncertain significance for Dyskeratosis congenita. Last evaluated: 2022-01-10. Review status: criteria provided, single submitter. Criteria: Ambry Variant Classification Scheme 2023. Collection method: clinical testing. Allele origin: germline.
Comment: The p.R378S variant (also known as c.1134G>T), located in coding exon 2 of the TERT gene, results from a G to T substitution at nucleotide position 1134. The arginine at codon 378 is replaced by serine, an amino acid with dissimilar properties. This amino acid position is conserved. In addition, the in silico prediction for this alteration is inconclusive. Since supporting evidence is limited at this time, the clinical significance of this alteration remains unclear.